The following is an entry in ClinVar:

ClinVar aggregate classification (germline): Uncertain significance (1 of 4 stars; one submission).

Allele frequency attached by ClinVar (database versions not stated): ExAC 0.00001; gnomAD 0.00001; gnomAD exomes 0.00002; TOPMed 0.00002.
gnomAD v4.1: 14 of 1,610,596 alleles (0.00087%); highest among the groups gnomAD compares: African/African-American, 0.0013%; no homozygotes.

Submission:

Labcorp Genetics (formerly Invitae), Labcorp
Classification: Uncertain significance. Last evaluated: 2021-10-09. Review status: criteria provided, single submitter. Criteria: Invitae Variant Classification Sherloc (09022015). Collection method: clinical testing. Allele origin: germline.
Comment: This sequence change replaces arginine with cysteine at codon 46 of the ADAMTS10 protein (p.Arg46Cys). The arginine residue is highly conserved and there is a large physicochemical difference between arginine and cysteine. The frequency data for this variant in the population databases is considered unreliable, as metrics indicate poor data quality at this position in the ExAC database. This variant has not been reported in the literature in individuals affected with ADAMTS10-related conditions. Algorithms developed to predict the effect of missense changes on protein structure and function (SIFT, PolyPhen-2, Align-GVGD) all suggest that this variant is likely to be disruptive. In summary, the available evidence is currently insufficient to determine the role of this variant in disease. Therefore, it has been classified as a Variant of Uncertain Significance.

NM_030957.4(ADAMTS10):c.136C>T (p.Arg46Cys)

Gene: ADAMTS10 (ADAM metallopeptidase with thrombospondin type 1 motif 10; minus strand). Cytogenetic location: 19p13.2.
Variant type: single nucleotide variant.
Coding change: c.136C>T on transcript NM_030957.4 (MANE Select); coding-DNA position 136, C replaced by T.
Protein change: p.Arg46Cys; replaces arginine 46 with cysteine.
Molecular consequence: missense variant.
Genome position (GRCh38, 1-based): chr19:8,605,311, G>A on the plus strand (C>T on the coding strand, the complement: ADAMTS10 is on the minus strand). VCF-style: chr19-8605311-G-A. GRCh37 (hg19) VCF-style: chr19-8670196-G-A.
Other names: short protein forms R46C.
Identifiers: ClinVar variation 1509835 (VCV001509835.3), dbSNP rs781975997, ClinGen allele CA9160922.